The following is an entry in ClinVar:

NM_001365536.1(SCN9A):c.4100G>A (p.Arg1367His)

Genes: SCN1A-AS1 (SCN1A and SCN9A antisense RNA 1; plus strand), SCN9A (sodium voltage-gated channel alpha subunit 9; minus strand). Cytogenetic location: 2q24.3.
Variant type: single nucleotide variant.
Coding change: c.4100G>A on transcript NM_001365536.1 (MANE Select); coding-DNA position 4100, G replaced by A.
Protein change: p.Arg1367His; replaces arginine 1367 with histidine.
Molecular consequence: missense variant.
Genome position (GRCh38, 1-based): chr2:166,228,797, C>T on the plus strand (G>A on the coding strand, the complement: SCN9A is on the minus strand). VCF-style: chr2-166228797-C-T. GRCh37 (hg19) VCF-style: chr2-167085307-C-T.
Other names: p.Arg1356His; c.4067G>A, p.Arg1356His (NM_002977.4); short protein forms R1356H, R1367H.
Identifiers: ClinVar variation 566261 (VCV000566261.33), dbSNP rs200566017, ClinGen allele CA1943951.

ClinVar aggregate classification (germline): Conflicting classifications of pathogenicity. Review status: criteria provided, conflicting classifications (1 of 4 stars). 5 submissions from 5 submitters: Uncertain significance (4); Likely benign (1). Last evaluated 2026-04-01.

Conditions:
SCN9A-related disorder. Also called: SCN9A-related disorders; SCN9A-related condition.
Generalized epilepsy with febrile seizures plus, type 7 (GEFSP7). Also called: GEFS+, TYPE 7. Identifiers: Orphanet 36387, MedGen C2751778, MONDO:0013470, OMIM 613863.
Neuropathy, hereditary sensory and autonomic, type 2A (HSAN2A). Also called: WNK1-Related HSAN2 (HSAN2A); ACROOSTEOLYSIS, GIACCAI TYPE; ACROOSTEOLYSIS, NEUROGENIC; MORVAN DISEASE; NEUROPATHY, CONGENITAL SENSORY; NEUROPATHY, HEREDITARY SENSORY RADICULAR, AUTOSOMAL RECESSIVE. Identifiers: Orphanet 970, MedGen C2752089, MONDO:0024309, OMIM 201300.
Inborn genetic diseases. Identifiers: MedGen C0950123, MeSH D030342.

Allele frequency attached by ClinVar (database versions not stated): gnomAD 0.00003 and 0.00004; TOPMed 0.00003; gnomAD exomes 0.00004; ExAC 0.00007; ESP Exome Variant Server 0.00016.
gnomAD v4.1: 68 of 1,613,838 alleles (0.0042%); highest among the groups gnomAD compares: Middle Eastern, 0.05%; no homozygotes.

Submissions (5):

PreventionGenetics, part of Exact Sciences
Classification: Uncertain significance for SCN9A-related condition. Last evaluated: 2026-04-01. Review status: criteria provided, single submitter. Criteria: ACMG Guidelines, 2015. Collection method: clinical testing. Allele origin: germline.
Comment: The SCN9A c.4067G>A variant is predicted to result in the amino acid substitution p.Arg1356His. This variant has been reported in an individual with primary erythromelalgia (Michelerio et al. 2023. PubMed ID: 37557164). This variant is reported in 0.011% of alleles in individuals of Latino descent in gnomAD. At this time, the clinical significance of this variant is uncertain due to the absence of conclusive functional and genetic evidence.

Labcorp Genetics (formerly Invitae), Labcorp
Classification: Likely benign for Neuropathy, hereditary sensory and autonomic, type 2A; Generalized epilepsy with febrile seizures plus, type 7. Last evaluated: 2024-11-29. Review status: criteria provided, single submitter. Criteria: Invitae Variant Classification Sherloc (09022015). Collection method: clinical testing. Allele origin: germline.

Ambry Genetics
Classification: Uncertain significance for Inborn genetic diseases. Last evaluated: 2024-08-01. Review status: criteria provided, single submitter. Criteria: Ambry Variant Classification Scheme 2023. Collection method: clinical testing. Allele origin: germline.

CeGaT Center for Human Genetics Tuebingen
Classification: Uncertain significance. Last evaluated: 2024-08-01. Review status: criteria provided, single submitter. Criteria: CeGaT Center For Human Genetics Tuebingen Variant Classification Criteria Version 2. Collection method: clinical testing. Allele origin: germline. Affected: yes. Observed: 1 variant allele.
Comment: SCN9A: PM2

Mayo Clinic Laboratories, Mayo Clinic
Classification: Uncertain significance. Last evaluated: 2019-03-11. Review status: criteria provided, single submitter. Criteria: ACMG Guidelines, 2015. Collection method: clinical testing. Allele origin: germline. Observed: 1 variant allele.